The following is an entry in ClinVar:

NM_000277.3(PAH):c.352+1G>A

Gene: PAH (phenylalanine hydroxylase; minus strand). Cytogenetic location: 12q23.2.
Variant type: single nucleotide variant.
Coding change: c.352+1G>A on transcript NM_000277.3 (MANE Select); the canonical splice donor site of the intron after coding-DNA position 352, G replaced by A.
Molecular consequence: splice donor variant.
Genome position (GRCh38, 1-based): chr12:102,894,734, C>T on the plus strand (G>A on the coding strand, the complement: PAH is on the minus strand). VCF-style: chr12-102894734-C-T. GRCh37 (hg19) VCF-style: chr12-103288512-C-T.
Other names: c.352+1G>A (NM_000277.2, NM_001354304.2).
Identifiers: ClinVar variation 102653 (VCV000102653.9), dbSNP rs199475684, ClinGen allele CA229519.

ClinVar aggregate classification (germline): Likely pathogenic. Review status: reviewed by expert panel (3 of 4 stars). 5 submissions from 5 submitters: Likely pathogenic (1). 4 of the submissions do not count toward it. Last evaluated 2022-12-09.

Conditions:
Phenylketonuria (PKU). Also called: Phenylketonuria (PKU); FOLLING DISEASE; OLIGOPHRENIA PHENYLPYRUVICA; Phenylketonurias. Identifiers: Orphanet 716, MedGen C0031485, MONDO:0009861, OMIM 261600. Disease mechanism: loss of function.

Submissions (5):

ClinGen PAH Variant Curation Expert Panel
Classification: Likely pathogenic for Phenylketonuria. Last evaluated: 2022-12-09. Review status: reviewed by expert panel. Criteria: ClinGen PAH ACMG Specifications v1. Collection method: curation. Allele origin: germline. Inheritance: Autosomal recessive inheritance.
Comment: This canonical PAH variant c.352+1G>A is predicted to result in nonsense mediated decay. This variant was absent in population databases. This variant has been reported in the literature (PMID: 20140859), but is not available for review. In summary, this variant meets criteria to be classified as likely pathogenic for PAH. PAH-specific ACMG/AMP criteria applied: PVS1,PM2.

Natera, Inc.
Classification: Pathogenic for Phenylketonuria. Last evaluated: 2025-11-06. Review status: criteria provided, single submitter. Criteria: Natera Variant Classification Schema (03/2026). Collection method: clinical testing. Allele origin: germline. Not counted in ClinVar's aggregate classification.
Comment: The c.352+1G>A variant in PAH is a canonical splice donor site variant predicted to affect pre-mRNA splicing, which may result in an abnormal transcript and altered protein product. This variant is expected to result in nonsense mediated decay, truncation, or a dysfunctional protein product. This variant is rare in the general population with a frequency below the threshold expected for the associated phenotype(s). This variant has been observed in one or more individuals affected with the associated recessive disease, as either homozygous or compound heterozygous with a second variant (PMID: 32668217). Given the available evidence, this variant is classified as Pathogenic.

Baylor Genetics
Classification: Pathogenic for Phenylketonuria. Last evaluated: 2023-07-20. Review status: criteria provided, single submitter. Criteria: ACMG Guidelines, 2015. Collection method: clinical testing. Allele origin: unknown. Not counted in ClinVar's aggregate classification.

Labcorp Genetics (formerly Invitae), Labcorp
Classification: Pathogenic for Phenylketonuria. Last evaluated: 2022-09-14. Review status: criteria provided, single submitter. Criteria: Invitae Variant Classification Sherloc (09022015). Collection method: clinical testing. Allele origin: germline. Not counted in ClinVar's aggregate classification.
Comment: This sequence change affects a donor splice site in intron 3 of the PAH gene. It is expected to disrupt RNA splicing. Variants that disrupt the donor or acceptor splice site typically lead to a loss of protein function (PMID: 16199547), and loss-of-function variants in PAH are known to be pathogenic (PMID: 1301187, 9634518). This variant is not present in population databases (gnomAD no frequency). Disruption of this splice site has been observed in individual(s) with hyperphenylalaninemia (PMID: 32668217). ClinVar contains an entry for this variant (Variation ID: 102653). Algorithms developed to predict the effect of sequence changes on RNA splicing suggest that this variant may disrupt the consensus splice site. For these reasons, this variant has been classified as Pathogenic.

DeBelle Laboratory for Biochemical Genetics, MUHC/MCH RESEARCH INSTITUTE
No classification provided. Review status: no classification provided. Collection method: not provided. Allele origin: not provided. Not counted in ClinVar's aggregate classification.

Literature cited by the submitters: PubMed 32668217 (cited by Natera, Inc. and Labcorp Genetics (formerly Invitae), Labcorp); PubMed 16199547 (cited by Labcorp Genetics (formerly Invitae), Labcorp); PubMed 1301187 (cited by Labcorp Genetics (formerly Invitae), Labcorp); PubMed 9634518 (cited by Labcorp Genetics (formerly Invitae), Labcorp).